The following is an entry in ClinVar:

NM_020207.7(ERCC6L2):c.1226T>C (p.Val409Ala)

Gene: ERCC6L2 (ERCC excision repair 6 like 2; plus strand). Cytogenetic location: 9q22.32.
Variant type: single nucleotide variant.
Coding change: c.1226T>C on transcript NM_020207.7 (MANE Select); coding-DNA position 1226, T replaced by C.
Protein change: p.Val409Ala; replaces valine 409 with alanine.
Molecular consequence: missense variant. On other transcripts: non-coding transcript variant (1).
Genome position (GRCh38, 1-based): chr9:95,921,242, T>C. VCF-style: chr9-95921242-T-C. GRCh37 (hg19) VCF-style: chr9-98683524-T-C.
Other names: c.1226T>C, p.Val409Ala (NM_001010895.4, NM_001375291.1, NM_001375292.1 and 2 more transcripts); short protein forms V409A.
Identifiers: ClinVar variation 4250628 (VCV004250628.1).
Genomic context (GRCh38, chr9:95,921,242, plus strand): 5'-ATTGTTCTTTGACAGATTTCCAGAAAGCTGTCTATCAAACAGTGTTAGAAACAGAGGACG[T>C]GACTTTGATACTTCAATCTTCTGAGCCTTGTACCTGTAGGAGTGGCCAAAAAAGGAGAAA-3'
Protein context (NP_064592.3, residues 399-419): VYQTVLETED[Val409Ala]TLILQSSEPC

ClinVar aggregate classification (germline): Uncertain significance (1 of 4 stars; one submission).

Conditions:
Inborn genetic diseases. Identifiers: MedGen C0950123, MeSH D030342.

Submission:

Ambry Genetics
Classification: Uncertain significance for Inborn genetic diseases. Last evaluated: 2025-08-21. Review status: criteria provided, single submitter. Criteria: Ambry Variant Classification Scheme 2023. Collection method: clinical testing. Allele origin: germline.
Comment: The p.V409A variant (also known as c.1226T>C), located in coding exon 7 of the ERCC6L2 gene, results from a T to C substitution at nucleotide position 1226. The valine at codon 409 is replaced by alanine, an amino acid with similar properties. This amino acid position is conserved. In addition, the in silico prediction for this alteration is inconclusive. Based on the available evidence, the clinical significance of this variant remains unclear.